The following is an entry in ClinVar:

ClinVar aggregate classification (germline): Uncertain significance (1 of 4 stars; one submission).

Conditions:
Leukocyte adhesion deficiency 1 (LAD1). Also called: LAD 1; Lymphocyte function-associated antigen 1 immunodeficiency; LFA 1 immunodeficiency; LEUKOCYTE ADHESION DEFICIENCY, TYPE I. Identifiers: Orphanet 2968, Orphanet 99842, MedGen C0398738, MONDO:0007293, OMIM 116920.

Submission:

Labcorp Genetics (formerly Invitae), Labcorp
Classification: Uncertain significance for Leukocyte adhesion deficiency 1. Last evaluated: 2022-07-16. Review status: criteria provided, single submitter. Criteria: Invitae Variant Classification Sherloc (09022015). Collection method: clinical testing. Allele origin: germline.
Comment: In summary, the available evidence is currently insufficient to determine the role of this variant in disease. Therefore, it has been classified as a Variant of Uncertain Significance. Algorithms developed to predict the effect of missense changes on protein structure and function output the following: SIFT: "Deleterious"; PolyPhen-2: "Benign"; Align-GVGD: "Class C25". The isoleucine amino acid residue is found in multiple mammalian species, which suggests that this missense change does not adversely affect protein function. This variant has not been reported in the literature in individuals affected with ITGB2-related conditions. This variant is not present in population databases (gnomAD no frequency). This sequence change replaces valine, which is neutral and non-polar, with isoleucine, which is neutral and non-polar, at codon 441 of the ITGB2 protein (p.Val441Ile).

NM_000211.5(ITGB2):c.1321G>A (p.Val441Ile)

Gene: ITGB2 (integrin subunit beta 2; minus strand). Cytogenetic location: 21q22.3.
Variant type: single nucleotide variant.
Coding change: c.1321G>A on transcript NM_000211.5 (MANE Select); coding-DNA position 1321, G replaced by A.
Protein change: p.Val441Ile; replaces valine 441 with isoleucine.
Molecular consequence: missense variant.
Genome position (GRCh38, 1-based): chr21:44,891,900, C>T on the plus strand (G>A on the coding strand, the complement: ITGB2 is on the minus strand). VCF-style: chr21-44891900-C-T. GRCh37 (hg19) VCF-style: chr21-46311815-C-T.
Other names: c.1321G>A, p.Val441Ile (NM_001127491.3); c.1114G>A, p.Val372Ile (NM_001303238.2); short protein forms V372I, V441I.
Identifiers: ClinVar variation 1716317 (VCV001716317.6), dbSNP rs764916167, ClinGen allele CA410485313.
Genomic context (GRCh38, chr21:44,891,900, plus strand): 5'-CATGGCAGAGGCTGCGGTCTCTGCTCTGGTCCCGGCACCGGCACTCACACTGGGGAAGAA[C>T]CTGCACGGTCACTATGTCCGTGAAGCCCAGCGCCCGGATGACAAACGACTGCTCCTGGAT-3'
Protein context (NP_000202.3, residues 431-451): LGFTDIVTVQ[Val441Ile]LPQCECRCRD